The following is an entry in ClinVar:

NM_006885.4(ZFHX3):c.10537A>G (p.Ser3513Gly)

Genes: ZFHX3 (zinc finger homeobox 3; minus strand), ZFHX3-AS1 (ZFHX3 antisense RNA 1; plus strand). Cytogenetic location: 16q22.2.
Variant type: single nucleotide variant.
Coding change: c.10537A>G on transcript NM_006885.4 (MANE Select); coding-DNA position 10537, A replaced by G.
Protein change: p.Ser3513Gly; replaces serine 3513 with glycine.
Molecular consequence: missense variant.
Genome position (GRCh38, 1-based): chr16:72,787,739, T>C on the plus strand (A>G on the coding strand, the complement: ZFHX3 is on the minus strand). VCF-style: chr16-72787739-T-C. GRCh37 (hg19) VCF-style: chr16-72821638-T-C.
Other names: c.7795A>G, p.Ser2599Gly (NM_001164766.2); c.10537A>G, p.Ser3513Gly (NM_001386735.1); short protein forms S2599G, S3513G.
Identifiers: ClinVar variation 3043776 (VCV003043776.2), dbSNP rs200561133, ClinGen allele CA8162455.

ClinVar aggregate classification (germline): Benign (0 of 4 stars; one submission).

Conditions:
ZFHX3-related disorder. Also called: ZFHX3-related condition.

Allele frequency attached by ClinVar (database versions not stated): 1000 Genomes Project 0.01538.
gnomAD v4.1: 7,206 of 1,394,648 alleles (0.52%); highest among the groups gnomAD compares: East Asian, 3.3%; 74 homozygotes.

Submission:

PreventionGenetics, part of Exact Sciences
Classification: Benign for ZFHX3-related condition. Last evaluated: 2019-05-24. Review status: no assertion criteria provided. Collection method: clinical testing. Allele origin: germline.
Comment: This variant is classified as benign based on ACMG/AMP sequence variant interpretation guidelines (Richards et al. 2015 PMID: 25741868, with internal and published modifications).